The following is an entry in ClinVar:

ClinVar aggregate classification (germline): Uncertain significance (1 of 4 stars; one submission).

Conditions:
Multiple congenital anomalies-hypotonia-seizures syndrome 3 (MCAHS3). Also called: GLYCOSYLPHOSPHATIDYLINOSITOL BIOSYNTHESIS DEFECT 7. Identifiers: Orphanet 369837, MedGen C3809356, MONDO:0014165, OMIM 615398.

Submission:

Labcorp Genetics (formerly Invitae), Labcorp
Classification: Uncertain significance for Multiple congenital anomalies-hypotonia-seizures syndrome 3. Last evaluated: 2026-01-19. Review status: criteria provided, single submitter. Criteria: Invitae Variant Classification Sherloc (09022015). Collection method: clinical testing. Allele origin: germline.
Comment: This sequence change replaces leucine, which is neutral and non-polar, with tryptophan, which is neutral and slightly polar, at codon 193 of the PIGT protein (p.Leu193Trp). This variant is not present in population databases (gnomAD no frequency). This variant has not been reported in the literature in individuals affected with PIGT-related conditions. ClinVar contains an entry for this variant (Variation ID: 1997747). Invitae Evidence Modeling of protein sequence and biophysical properties (such as structural, functional, and spatial information, amino acid conservation, physicochemical variation, residue mobility, and thermodynamic stability) indicates that this missense variant is expected to disrupt PIGT protein function with a positive predictive value of 95%. In summary, the available evidence is currently insufficient to determine the role of this variant in disease. Therefore, it has been classified as a Variant of Uncertain Significance.

NM_015937.6(PIGT):c.578T>G (p.Leu193Trp)

Gene: PIGT (phosphatidylinositol glycan anchor biosynthesis class T; plus strand). Cytogenetic location: 20q13.12.
Variant type: single nucleotide variant.
Coding change: c.578T>G on transcript NM_015937.6 (MANE Select); coding-DNA position 578, T replaced by G.
Protein change: p.Leu193Trp; replaces leucine 193 with tryptophan.
Molecular consequence: missense variant. On other transcripts: non-coding transcript variant (3).
Genome position (GRCh38, 1-based): chr20:45,419,379, T>G. VCF-style: chr20-45419379-T-G. GRCh37 (hg19) VCF-style: chr20-44048019-T-G.
Other names: c.410T>G, p.Leu137Trp (NM_001184728.3); c.578T>G, p.Leu193Trp (NM_001184729.3); c.272T>G, p.Leu91Trp (NM_001184730.3); short protein forms L91W, L137W, L193W.
Identifiers: ClinVar variation 1997747 (VCV001997747.4), dbSNP rs2515530271, ClinGen allele CA409166987.